The following is an entry in ClinVar:

NM_003098.3(SNTA1):c.440C>T (p.Thr147Ile)

Gene: SNTA1 (syntrophin alpha 1; minus strand). Cytogenetic location: 20q11.21.
Variant type: single nucleotide variant.
Coding change: c.440C>T on transcript NM_003098.3 (MANE Select); coding-DNA position 440, C replaced by T.
Protein change: p.Thr147Ile; replaces threonine 147 with isoleucine.
Molecular consequence: missense variant.
Genome position (GRCh38, 1-based): chr20:33,438,897, G>A on the plus strand (C>T on the coding strand, the complement: SNTA1 is on the minus strand). VCF-style: chr20-33438897-G-A. GRCh37 (hg19) VCF-style: chr20-32026703-G-A.
Other names: c.440C>T, p.Thr147Ile (NM_001424413.1, NM_001424414.1); short protein forms T147I.
Identifiers: ClinVar variation 3023919 (VCV003023919.3), dbSNP rs141724500, ClinGen allele CA9817226.

ClinVar aggregate classification (germline): Uncertain significance (1 of 4 stars; one submission).

Conditions:
Long QT syndrome (LQTS). Identifiers: MedGen C0023976, MeSH D008133, MONDO:0002442. Disease mechanism: loss of function. Inheritance: Various modes of inheritance.

gnomAD v4.1: 35 of 1,613,988 alleles (0.0022%); highest among the groups gnomAD compares: South Asian, 0.038%; no homozygotes.

Submission:

Labcorp Genetics (formerly Invitae), Labcorp
Classification: Uncertain significance for Long QT syndrome. Last evaluated: 2024-08-28. Review status: criteria provided, single submitter. Criteria: Invitae Variant Classification Sherloc (09022015). Collection method: clinical testing. Allele origin: germline.
Comment: This sequence change replaces threonine, which is neutral and polar, with isoleucine, which is neutral and non-polar, at codon 147 of the SNTA1 protein (p.Thr147Ile). This variant is present in population databases (rs141724500, gnomAD 0.03%). This variant has not been reported in the literature in individuals affected with SNTA1-related conditions. Invitae Evidence Modeling of protein sequence and biophysical properties (such as structural, functional, and spatial information, amino acid conservation, physicochemical variation, residue mobility, and thermodynamic stability) indicates that this missense variant is expected to disrupt SNTA1 protein function with a positive predictive value of 80%. In summary, the available evidence is currently insufficient to determine the role of this variant in disease. Therefore, it has been classified as a Variant of Uncertain Significance.